The following is an entry in ClinVar:

ClinVar aggregate classification (germline): Uncertain significance (1 of 4 stars; one submission).

Conditions:
Hereditary cancer-predisposing syndrome. Also called: Tumor predisposition; Hereditary Cancer Syndrome; Hereditary neoplastic syndrome; Neoplastic Syndromes, Hereditary. Identifiers: Orphanet 140162, MedGen C0027672, MeSH D009386, MONDO:0015356.

Submission:

Ambry Genetics
Classification: Uncertain significance for Hereditary cancer-predisposing syndrome. Last evaluated: 2023-08-16. Review status: criteria provided, single submitter. Criteria: Ambry Variant Classification Scheme 2023. Collection method: clinical testing. Allele origin: germline.
Comment: The p.G29A variant (also known as c.86G>C), located in coding exon 1 of the PTCH1 gene, results from a G to C substitution at nucleotide position 86. The glycine at codon 29 is replaced by alanine, an amino acid with similar properties. This amino acid position is well conserved in available vertebrate species. In addition, this alteration is predicted to be tolerated by in silico analysis. Since supporting evidence is limited at this time, the clinical significance of this alteration remains unclear.

NM_000264.5(PTCH1):c.86G>C (p.Gly29Ala)

Genes: PTCH1 (patched 1; minus strand), LOC130002133 (ATAC-STARR-seq lymphoblastoid silent region 20071; plus strand). Cytogenetic location: 9q22.32.
Variant type: single nucleotide variant.
Coding change: c.86G>C on transcript NM_000264.5 (MANE Select); coding-DNA position 86, G replaced by C.
Protein change: p.Gly29Ala; replaces glycine 29 with alanine.
Molecular consequence: missense variant. On other transcripts: non-coding transcript variant (1), intron variant (3).
Genome position (GRCh38, 1-based): chr9:95,508,276, C>G on the plus strand (G>C on the coding strand, the complement: PTCH1 is on the minus strand). VCF-style: chr9-95508276-C-G. GRCh37 (hg19) VCF-style: chr9-98270558-C-G.
Other names: c.86G>C, p.Gly29Ala (NM_001354918.2); c.199-1677G>C (NM_001083603.3); c.4-1677G>C (NM_001083602.3, NM_001354919.2); short protein forms G29A.
Identifiers: ClinVar variation 2626238 (VCV002626238.2), dbSNP rs2118909005, ClinGen allele CA374121451.
Genomic context (GRCh38, chr9:95,508,276, plus strand): 5'-TAGTCCCGGTCCGGCGCGGCAGCACGGCGCAGCCCCCCCGTCCGTCTGCGCCTCCCGCCT[C>G]CAGCCGGCCGTCCCGGGGCACCGATACAGCCGCTGCCGCCGCCGCCGCGGTCCTGGGGCT-3'
Protein context (NP_000255.2, residues 19-39): GCIGAPGRPA[Gly29Ala]GGRRRRTGGL